The following is an entry in ClinVar:

NM_006031.6(PCNT):c.2347dup (p.Gln783fs)

Gene: PCNT (pericentrin; plus strand). Cytogenetic location: 21q22.3.
Variant type: Duplication.
Coding change: c.2347dup on transcript NM_006031.6 (MANE Select); coding-DNA position 2347, one base duplicated (C; older notation c.2347dupC).
Protein change: p.Gln783fs; shifts the reading frame from glutamine 783.
Molecular consequence: frameshift variant.
Genome position (GRCh38, 1-based): chr21:46,363,672, C duplicated. VCF-style (leftmost placement, unchanged base first): chr21-46363671-A-AC. GRCh37 (hg19) VCF-style: chr21-47783586-A-AC.
Other names: c.1993dup, p.Gln665fs (NM_001315529.2); short protein forms Q665fs, Q783fs.
Identifiers: ClinVar variation 1338241 (VCV001338241.9), dbSNP rs766116729, ClinGen allele CA10078953.
Genomic context (GRCh38, chr21:46,363,671, plus strand): 5'-AGCTGAGGAGAAGTTAACATTGATGCTACTTGAACTGAGAGAAAAGGCTGAATCCGAGAA[A>AC]CAGACCATCATAAACAAGTTTGAGCTTCGAGAAGCTGAAATGAGGCAGCTTCAGGACCAA-3'

ClinVar aggregate classification (germline): Pathogenic. Review status: criteria provided, multiple submitters, no conflicts (2 of 4 stars). 3 submissions from 3 submitters: Pathogenic (2). 1 of the submissions does not count toward it. Last evaluated 2025-04-17.

Conditions:
PCNT-related disorder. Also called: PCNT-related condition.

Allele frequency attached by ClinVar (database versions not stated): ExAC 0.00001; gnomAD exomes 0.00001 and 0.00003; gnomAD 0.00002; TOPMed 0.00002.

Submissions (3):

Labcorp Genetics (formerly Invitae), Labcorp
Classification: Pathogenic. Last evaluated: 2025-04-17. Review status: criteria provided, single submitter. Criteria: Invitae Variant Classification Sherloc (09022015). Collection method: clinical testing. Allele origin: germline.
Comment: This sequence change creates a premature translational stop signal (p.Gln783Profs*8) in the PCNT gene. It is expected to result in an absent or disrupted protein product. Loss-of-function variants in PCNT are known to be pathogenic (PMID: 18174396, 22821869). This variant is present in population databases (rs766116729, gnomAD 0.002%). This variant has not been reported in the literature in individuals affected with PCNT-related conditions. ClinVar contains an entry for this variant (Variation ID: 1338241). For these reasons, this variant has been classified as Pathogenic.

Genetic Services Laboratory, University of Chicago
Classification: Pathogenic. Last evaluated: 2017-07-13. Review status: criteria provided, single submitter. Criteria: ACMG Guidelines, 2015. Collection method: clinical testing. Allele origin: germline. Affected: yes.

PreventionGenetics, part of Exact Sciences
Classification: Likely pathogenic for PCNT-related condition. Last evaluated: 2024-09-25. Review status: no assertion criteria provided. Collection method: clinical testing. Allele origin: germline. Not counted in ClinVar's aggregate classification.
Comment: The PCNT c.2347dupC variant is predicted to result in a frameshift and premature protein termination (p.Gln783Profs*8). To our knowledge, this variant has not been reported in the literature. This variant is reported in 0.0018% of alleles in individuals of European (Non-Finnish) descent in gnomAD. Frameshift variants in PCNT are expected to be pathogenic. This variant is interpreted as likely pathogenic.

Literature cited by the submitters: PubMed 18174396 (cited by Labcorp Genetics (formerly Invitae), Labcorp); PubMed 22821869 (cited by Labcorp Genetics (formerly Invitae), Labcorp).